The following is an entry in ClinVar:

ClinVar aggregate classification (germline): Uncertain significance (1 of 4 stars; one submission).

Conditions:
Familial hemophagocytic lymphohistiocytosis 5. Also called: STXBP2-Related Familial Hemophagocytic Lymphohistiocytosis (STXBP2-fHLH). Identifiers: Orphanet 540, MedGen C2751293, MONDO:0013135, OMIM 613101.

Submission:

Labcorp Genetics (formerly Invitae), Labcorp
Classification: Uncertain significance for Familial hemophagocytic lymphohistiocytosis 5. Last evaluated: 2022-06-04. Review status: criteria provided, single submitter. Criteria: Invitae Variant Classification Sherloc (09022015). Collection method: clinical testing. Allele origin: germline.
Comment: This sequence change replaces methionine, which is neutral and non-polar, with leucine, which is neutral and non-polar, at codon 333 of the STXBP2 protein (p.Met333Leu). This variant is not present in population databases (gnomAD no frequency). This variant has not been reported in the literature in individuals affected with STXBP2-related conditions. Algorithms developed to predict the effect of missense changes on protein structure and function are either unavailable or do not agree on the potential impact of this missense change (SIFT: "Tolerated"; PolyPhen-2: "Probably Damaging"; Align-GVGD: "Class C0"). In summary, the available evidence is currently insufficient to determine the role of this variant in disease. Therefore, it has been classified as a Variant of Uncertain Significance.

NM_006949.4(STXBP2):c.997A>C (p.Met333Leu)

Gene: STXBP2 (syntaxin binding protein 2; plus strand). Cytogenetic location: 19p13.2.
Variant type: single nucleotide variant.
Coding change: c.997A>C on transcript NM_006949.4 (MANE Select); coding-DNA position 997, A replaced by C.
Protein change: p.Met333Leu; replaces methionine 333 with leucine.
Molecular consequence: missense variant. On other transcripts: non-coding transcript variant (1).
Genome position (GRCh38, 1-based): chr19:7,643,019, A>C. VCF-style: chr19-7643019-A-C. GRCh37 (hg19) VCF-style: chr19-7707905-A-C.
Other names: c.988A>C, p.Met330Leu (NM_001127396.3); c.1030A>C, p.Met344Leu (NM_001272034.2); c.901A>C, p.Met301Leu (NM_001414484.1); short protein forms M301L, M330L, M333L, M344L.
Identifiers: ClinVar variation 2047333 (VCV002047333.1), dbSNP rs2512700245, ClinGen allele CA403160569.